The following is an entry in ClinVar:

NM_138576.4(BCL11B):c.2044A>C (p.Asn682His)

Gene: BCL11B (BCL11 transcription factor B; minus strand). Cytogenetic location: 14q32.2.
Variant type: single nucleotide variant.
Coding change: c.2044A>C on transcript NM_138576.4 (MANE Select); coding-DNA position 2044, A replaced by C.
Protein change: p.Asn682His; replaces asparagine 682 with histidine.
Molecular consequence: missense variant.
Genome position (GRCh38, 1-based): chr14:99,174,792, T>G on the plus strand (A>C on the coding strand, the complement: BCL11B is on the minus strand). VCF-style: chr14-99174792-T-G. GRCh37 (hg19) VCF-style: chr14-99641129-T-G.
Other names: c.2041A>C, p.Asn681His (NM_001282237.2); c.1828A>C, p.Asn610His (NM_001282238.2); c.1831A>C, p.Asn611His (NM_022898.3); short protein forms N611H, N681H, N610H, N682H.
Identifiers: ClinVar variation 3715699 (VCV003715699.2).

ClinVar aggregate classification (germline): Uncertain significance (1 of 4 stars; one submission).

gnomAD v4.1: 3 of 1,450,834 alleles (0.00021%); highest among the groups gnomAD compares: East Asian, 0.0028%; no homozygotes.

Submission:

Labcorp Genetics (formerly Invitae), Labcorp
Classification: Uncertain significance. Last evaluated: 2024-09-01. Review status: criteria provided, single submitter. Criteria: Invitae Variant Classification Sherloc (09022015). Collection method: clinical testing. Allele origin: germline.
Comment: This sequence change replaces asparagine, which is neutral and polar, with histidine, which is basic and polar, at codon 682 of the BCL11B protein (p.Asn682His). This variant is not present in population databases (gnomAD no frequency). This variant has not been reported in the literature in individuals affected with BCL11B-related conditions. Invitae Evidence Modeling of protein sequence and biophysical properties (such as structural, functional, and spatial information, amino acid conservation, physicochemical variation, residue mobility, and thermodynamic stability) indicates that this missense variant is not expected to disrupt BCL11B protein function with a negative predictive value of 80%. In summary, the available evidence is currently insufficient to determine the role of this variant in disease. Therefore, it has been classified as a Variant of Uncertain Significance.